The following is an entry in ClinVar:

NM_006158.5(NEFL):c.1489+6A>T

Gene: NEFL (neurofilament light chain; minus strand). Cytogenetic location: 8p21.2.
Variant type: single nucleotide variant.
Coding change: c.1489+6A>T on transcript NM_006158.5 (MANE Select); 6 bases into the intron after coding-DNA position 1489, A replaced by T.
Molecular consequence: intron variant.
Genome position (GRCh38, 1-based): chr8:24,953,470, T>A on the plus strand (A>T on the coding strand, the complement: NEFL is on the minus strand). VCF-style: chr8-24953470-T-A. GRCh37 (hg19) VCF-style: chr8-24810983-T-A.
Identifiers: ClinVar variation 862026 (VCV000862026.6), dbSNP rs1802996927, ClinGen allele CA916080387.

ClinVar aggregate classification (germline): Uncertain significance (1 of 4 stars; one submission).

Conditions:
Charcot-Marie-Tooth disease type 2E (CMT2E). Also called: CHARCOT-MARIE-TOOTH DISEASE, AXONAL, TYPE 2E; CHARCOT-MARIE-TOOTH NEUROPATHY, TYPE 2E. Identifiers: Orphanet 99939, MedGen C1843225, MONDO:0011894, OMIM 607684.

Submission:

Labcorp Genetics (formerly Invitae), Labcorp
Classification: Uncertain significance for Charcot-Marie-Tooth disease type 2E. Last evaluated: 2019-11-29. Review status: criteria provided, single submitter. Criteria: Invitae Variant Classification Sherloc (09022015). Collection method: clinical testing. Allele origin: germline.
Comment: This sequence change falls in intron 3 of the NEFL gene. It does not directly change the encoded amino acid sequence of the NEFL protein, but it affects a nucleotide within the consensus splice site of the intron. This variant is not present in population databases (ExAC no frequency). In summary, the available evidence is currently insufficient to determine the role of this variant in disease. Therefore, it has been classified as a Variant of Uncertain Significance. Nucleotide substitutions within the consensus splice site are a relatively common cause of aberrant splicing (PMID: 17576681, 9536098). Algorithms developed to predict the effect of sequence changes on RNA splicing suggest that this variant is not likely to affect RNA splicing, but this prediction has not been confirmed by published transcriptional studies. This variant has not been reported in the literature in individuals with NEFL-related conditions.

Literature cited by the submitters: PubMed 17576681; PubMed 9536098.